The following is an entry in ClinVar:

ClinVar aggregate classification (germline): Uncertain significance (1 of 4 stars; one submission).

Submission:

Labcorp Genetics (formerly Invitae), Labcorp
Classification: Uncertain significance. Last evaluated: 2022-03-14. Review status: criteria provided, single submitter. Criteria: Invitae Variant Classification Sherloc (09022015). Collection method: clinical testing. Allele origin: germline.
Comment: In summary, the available evidence is currently insufficient to determine the role of this variant in disease. Therefore, it has been classified as a Variant of Uncertain Significance. Variants that disrupt the consensus splice site are a relatively common cause of aberrant splicing (PMID: 17576681, 9536098). Algorithms developed to predict the effect of sequence changes on RNA splicing suggest that this variant is not likely to affect RNA splicing. This sequence change falls in intron 21 of the COL9A1 gene. It does not directly change the encoded amino acid sequence of the COL9A1 protein. It affects a nucleotide within the consensus splice site. This variant is not present in population databases (gnomAD no frequency). This variant has not been reported in the literature in individuals affected with COL9A1-related conditions.

Literature cited by the submitters: PubMed 17576681; PubMed 9536098.

NM_001851.6(COL9A1):c.1503+6T>C

Gene: COL9A1 (collagen type IX alpha 1 chain; minus strand). Cytogenetic location: 6q13.
Variant type: single nucleotide variant.
Coding change: c.1503+6T>C on transcript NM_001851.6 (MANE Select); 6 bases into the intron after coding-DNA position 1503, T replaced by C.
Molecular consequence: intron variant.
Genome position (GRCh38, 1-based): chr6:70,256,762, A>G on the plus strand (T>C on the coding strand, the complement: COL9A1 is on the minus strand). VCF-style: chr6-70256762-A-G. GRCh37 (hg19) VCF-style: chr6-70966465-A-G.
Other names: c.774+6T>C (NM_001377290.1, NM_078485.4, NM_001377289.1).
Identifiers: ClinVar variation 2111732 (VCV002111732.4), dbSNP rs1167541662, ClinGen allele CA2580075714.
Genomic context (GRCh38, chr6:70,256,762, plus strand): 5'-ACACATGCATACATAGCAAAAAAAAAAAAATCTATCATTGGGTTTTGTGGAAGGAAAATC[A>G]CTTACAGGTGCACCAGGAAGACCCTGAGGCCCAGGTTCACCATCTAAGCCCCGAGCACCC-3'